The following is an entry in ClinVar:

NM_000235.4(LIPA):c.713C>T (p.Ala238Val)

Gene: LIPA (lipase A, lysosomal acid type; minus strand). Cytogenetic location: 10q23.31.
Variant type: single nucleotide variant.
Coding change: c.713C>T on transcript NM_000235.4 (MANE Select); coding-DNA position 713, C replaced by T.
Protein change: p.Ala238Val; replaces alanine 238 with valine.
Molecular consequence: missense variant.
Genome position (GRCh38, 1-based): chr10:89,223,793, G>A on the plus strand (C>T on the coding strand, the complement: LIPA is on the minus strand). VCF-style: chr10-89223793-G-A. GRCh37 (hg19) VCF-style: chr10-90983550-G-A.
Other names: c.713C>T, p.Ala238Val (NM_001127605.3); c.365C>T, p.Ala122Val (NM_001288979.2); short protein forms A238V, A122V.
Identifiers: ClinVar variation 301577 (VCV000301577.11), dbSNP rs886047470, ClinGen allele CA10629449.

ClinVar aggregate classification (germline): Uncertain significance. Review status: criteria provided, multiple submitters, no conflicts (2 of 4 stars). 2 submissions from 2 submitters: Uncertain significance (2). Last evaluated 2021-09-01.

Conditions:
Lysosomal acid lipase deficiency. Also called: Acid cholesteryl ester hydrolase deficiency, type 2. Identifiers: Orphanet 275761, MedGen C5574740, MONDO:0800449, MONDO:0010204.
Wolman disease (WOLD). Also called: LYSOSOMAL ACID LIPASE DEFICIENCY, ACUTE INFANTILE; LYSOSOMAL ACID LIPASE DEFICIENCY, COMPLETE; LIPA DEFICIENCY, COMPLETE; LAL DEFICIENCY, COMPLETE; CHOLESTEROL ESTER HYDROLASE DEFICIENCY, COMPLETE; Acid cholesteryl ester hydrolase deficiency, Wolman type. Identifiers: Orphanet 75233, MedGen C0043208, MONDO:0019148, OMIM 620151.

Allele frequency attached by ClinVar (database versions not stated): gnomAD exomes 0.00001; gnomAD 0.00001; TOPMed 0.00001.

Submissions (2):

Labcorp Genetics (formerly Invitae), Labcorp
Classification: Uncertain significance for Wolman disease. Last evaluated: 2021-09-01. Review status: criteria provided, single submitter. Criteria: Invitae Variant Classification Sherloc (09022015). Collection method: clinical testing. Allele origin: germline.
Comment: This sequence change replaces alanine with valine at codon 238 of the LIPA protein (p.Ala238Val). The alanine residue is weakly conserved and there is a small physicochemical difference between alanine and valine. This variant is not present in population databases (ExAC no frequency). This variant has not been reported in the literature in individuals affected with LIPA-related conditions. ClinVar contains an entry for this variant (Variation ID: 301577). Algorithms developed to predict the effect of missense changes on protein structure and function (SIFT, PolyPhen-2, Align-GVGD) all suggest that this variant is likely to be tolerated. In summary, the available evidence is currently insufficient to determine the role of this variant in disease. Therefore, it has been classified as a Variant of Uncertain Significance.

Illumina Laboratory Services, Illumina
Classification: Uncertain significance for Cholesteryl ester storage disease. Last evaluated: 2018-01-12. Review status: criteria provided, single submitter. Criteria: ICSL Variant Classification Criteria 13 December 2019. Collection method: clinical testing. Allele origin: germline.